The following is an entry in ClinVar:

ClinVar aggregate classification (germline): Likely pathogenic (1 of 4 stars; one submission).

Conditions:
Joubert syndrome. Also called: Familial aplasia of the vermis; JOUBERT-BOLTSHAUSER SYNDROME. Identifiers: Orphanet 475, MedGen C5979921, MONDO:0018772.
Meckel-Gruber syndrome. Also called: Dysencephalia splachnocystica; DYSENCEPHALIA SPLANCHNOCYSTICA; GRUBER SYNDROME. Identifiers: Orphanet 564, MedGen C0265215, MONDO:0018921.

Allele frequency attached by ClinVar (database versions not stated): TOPMed 0.00002.
gnomAD v4.1: 7 of 1,608,792 alleles (0.00044%); highest among the groups gnomAD compares: Non-Finnish European, 0.00059%; no homozygotes.

Submission:

Labcorp Genetics (formerly Invitae), Labcorp
Classification: Likely pathogenic for Joubert syndrome; Meckel-Gruber syndrome. Last evaluated: 2026-01-19. Review status: criteria provided, single submitter. Criteria: Invitae Variant Classification Sherloc (09022015). Collection method: clinical testing. Allele origin: germline.
Comment: This sequence change affects an acceptor splice site in intron 4 of the CC2D2A gene. It is expected to disrupt RNA splicing. Variants that disrupt the donor or acceptor splice site typically lead to a loss of protein function (PMID: 16199547), and loss-of-function variants in CC2D2A are known to be pathogenic (PMID: 19777577). This variant is present in population databases (no rsID available, gnomAD 0.0009%). This variant has not been reported in the literature in individuals affected with CC2D2A-related conditions. ClinVar contains an entry for this variant (Variation ID: 1935783). Algorithms developed to predict the effect of sequence changes on RNA splicing suggest that this variant may disrupt the consensus splice site. In summary, the currently available evidence indicates that the variant is pathogenic, but additional data are needed to prove that conclusively. Therefore, this variant has been classified as Likely Pathogenic.

Literature cited by the submitters: PubMed 16199547; PubMed 19777577.

NM_001378615.1(CC2D2A):c.124-1G>C

Genes: CC2D2A (coiled-coil and C2 domain containing 2A; plus strand), FBXL5 (F-box and leucine rich repeat protein 5; minus strand). Cytogenetic location: 4p15.32.
Variant type: single nucleotide variant.
Coding change: c.124-1G>C on transcript NM_001378615.1 (MANE Select); the canonical splice acceptor site of the intron before coding-DNA position 124, G replaced by C.
Molecular consequence: splice acceptor variant.
Genome position (GRCh38, 1-based): chr4:15,480,703, G>C. VCF-style: chr4-15480703-G-C. GRCh37 (hg19) VCF-style: chr4-15482327-G-C.
Other names: c.124-1G>C (NM_001080522.2, NM_001164720.3); c.230-1G>C (NM_020785.2); c.-24-1G>C (NM_001378617.1).
Identifiers: ClinVar variation 1935783 (VCV001935783.5), dbSNP rs949606263, ClinGen allele CA92517278.